The following is an entry in ClinVar:

ClinVar aggregate classification (germline): Uncertain significance (1 of 4 stars; one submission).

Submission:

Labcorp Genetics (formerly Invitae), Labcorp
Classification: Uncertain significance. Last evaluated: 2024-04-17. Review status: criteria provided, single submitter. Criteria: Invitae Variant Classification Sherloc (09022015). Collection method: clinical testing. Allele origin: germline.
Comment: This sequence change replaces glycine, which is neutral and non-polar, with glutamic acid, which is acidic and polar, at codon 14 of the SMARCA2 protein (p.Gly14Glu). This variant is not present in population databases (gnomAD no frequency). This variant has not been reported in the literature in individuals affected with SMARCA2-related conditions. Advanced modeling of protein sequence and biophysical properties (such as structural, functional, and spatial information, amino acid conservation, physicochemical variation, residue mobility, and thermodynamic stability) performed at Invitae indicates that this missense variant is not expected to disrupt SMARCA2 protein function with a negative predictive value of 80%. In summary, the available evidence is currently insufficient to determine the role of this variant in disease. Therefore, it has been classified as a Variant of Uncertain Significance.

NM_003070.5(SMARCA2):c.41G>A (p.Gly14Glu)

Gene: SMARCA2 (SWI/SNF related BAF chromatin remodeling complex subunit ATPase 2; plus strand). Cytogenetic location: 9p24.3.
Variant type: single nucleotide variant.
Coding change: c.41G>A on transcript NM_003070.5 (MANE Select); coding-DNA position 41, G replaced by A.
Protein change: p.Gly14Glu; replaces glycine 14 with glutamic acid.
Molecular consequence: missense variant.
Genome position (GRCh38, 1-based): chr9:2,029,063, G>A. VCF-style: chr9-2029063-G-A. GRCh37 (hg19) VCF-style: chr9-2029063-G-A.
Other names: c.41G>A, p.Gly14Glu (NM_001289396.2, NM_001289397.2, NM_139045.4); short protein forms G14E.
Identifiers: ClinVar variation 3646710 (VCV003646710.2).
Genomic context (GRCh38, chr9:2,029,063, plus strand): 5'-GGCAGAGACAGGAGAGGTAGATGTCCACGCCCACAGACCCTGGTGCGATGCCCCACCCAG[G>A]GCCTTCGCCGGGGCCTGGGCCTTCCCCTGGGCCAATTCTTGGGCCTAGTCCAGGACCAGG-3'
Protein context (NP_003061.3, residues 4-24): PTDPGAMPHP[Gly14Glu]PSPGPGPSPG